The following is an entry in ClinVar:

ClinVar aggregate classification (germline): Likely benign. Review status: criteria provided, multiple submitters, no conflicts (2 of 4 stars). 2 submissions from 2 submitters: Likely benign (2). Last evaluated 2026-09-15.

Conditions:
PEX19-related disorder. Also called: PEX19-related condition.
Peroxisome biogenesis disorder 12A (Zellweger). Also called: Peroxisome biogenesis disorder 12A. Identifiers: Orphanet 912, MedGen C3554002, MONDO:0013951, OMIM 614886.

Allele frequency attached by ClinVar (database versions not stated): gnomAD exomes below 0.00001; gnomAD 0.00001; TOPMed 0.00001.
gnomAD v4.1: 3 of 1,614,018 alleles (0.00019%); highest among the groups gnomAD compares: Admixed American, 0.005%; no homozygotes.

Submissions (2):

PreventionGenetics, part of Exact Sciences
Classification: Likely benign for PEX19-related condition. Last evaluated: 2026-09-15. Review status: criteria provided, single submitter. Criteria: ACMG Guidelines, 2015. Collection method: clinical testing. Allele origin: germline.
Comment: This variant is classified as likely benign based on ACMG/AMP sequence variant interpretation guidelines (Richards et al. 2015 PMID: 25741868, with internal and published modifications).

Labcorp Genetics (formerly Invitae), Labcorp
Classification: Likely benign for Peroxisome biogenesis disorder 12A (Zellweger). Last evaluated: 2024-06-30. Review status: criteria provided, single submitter. Criteria: Invitae Variant Classification Sherloc (09022015). Collection method: clinical testing. Allele origin: germline.

NM_002857.4(PEX19):c.237G>T (p.Leu79=)

Gene: PEX19 (peroxisomal biogenesis factor 19; minus strand). Cytogenetic location: 1q23.2.
Variant type: single nucleotide variant.
Coding change: c.237G>T on transcript NM_002857.4 (MANE Select); coding-DNA position 237, G replaced by T.
Protein change: p.Leu79=; no amino-acid change (leucine 79 retained).
Molecular consequence: synonymous variant. On other transcripts: non-coding transcript variant (2).
Genome position (GRCh38, 1-based): chr1:160,283,053, C>A on the plus strand (G>T on the coding strand, the complement: PEX19 is on the minus strand). VCF-style: chr1-160283053-C-A. GRCh37 (hg19) VCF-style: chr1-160252843-C-A.
Other names: c.237G>T, p.Leu79= (NM_001193644.1); c.237G>T (NM_002857.3).
Identifiers: ClinVar variation 2166426 (VCV002166426.5), dbSNP rs1657843571, ClinGen allele CA421362904.